The following is an entry in ClinVar:

ClinVar aggregate classification (germline): Uncertain significance (1 of 4 stars; one submission).

Conditions:
Early-infantile DEE. Also called: Ohtahara syndrome; Early infantile epileptic encephalopathy; Early infantile epileptic encephalopathy with suppression bursts. Identifiers: Orphanet 1934, MedGen C0393706, MONDO:0800491.

Submission:

Labcorp Genetics (formerly Invitae), Labcorp
Classification: Uncertain significance for Early-infantile DEE. Last evaluated: 2023-10-07. Review status: criteria provided, single submitter. Criteria: Invitae Variant Classification Sherloc (09022015). Collection method: clinical testing. Allele origin: germline.
Comment: This sequence change replaces valine, which is neutral and non-polar, with alanine, which is neutral and non-polar, at codon 764 of the SCN8A protein (p.Val764Ala). This variant is not present in population databases (gnomAD no frequency). This variant has not been reported in the literature in individuals affected with SCN8A-related conditions. Advanced modeling of protein sequence and biophysical properties (such as structural, functional, and spatial information, amino acid conservation, physicochemical variation, residue mobility, and thermodynamic stability) has been performed at Invitae for this missense variant, however the output from this modeling did not meet the statistical confidence thresholds required to predict the impact of this variant on SCN8A protein function. In summary, the available evidence is currently insufficient to determine the role of this variant in disease. Therefore, it has been classified as a Variant of Uncertain Significance.

NM_001330260.2(SCN8A):c.2291T>C (p.Val764Ala)

Gene: SCN8A (sodium voltage-gated channel alpha subunit 8; plus strand). Cytogenetic location: 12q13.13.
Variant type: single nucleotide variant.
Coding change: c.2291T>C on transcript NM_001330260.2 (MANE Select); coding-DNA position 2291, T replaced by C.
Protein change: p.Val764Ala; replaces valine 764 with alanine.
Molecular consequence: missense variant.
Genome position (GRCh38, 1-based): chr12:51,751,514, T>C. VCF-style: chr12-51751514-T-C. GRCh37 (hg19) VCF-style: chr12-52145298-T-C.
Other names: c.2291T>C, p.Val764Ala (NM_001177984.3, NM_001369788.1, NM_014191.4); short protein forms V764A.
Identifiers: ClinVar variation 2766615 (VCV002766615.3), dbSNP rs2540239377, ClinGen allele CA384880054.